The following is an entry in ClinVar:

ClinVar aggregate classification (germline): Uncertain significance (1 of 4 stars; one submission).

Submission:

GeneDx
Classification: Uncertain significance. Last evaluated: 2025-10-01. Review status: criteria provided, single submitter. Criteria: GeneDx Variant Classification Process June 2021. Collection method: clinical testing. Allele origin: germline.
Comment: Has not been previously published as pathogenic or benign to our knowledge; In silico analysis supports that this missense variant has a deleterious effect on protein structure/function; Not observed at significant frequency in large population cohorts (gnomAD)

NM_000334.4(SCN4A):c.4466T>A (p.Leu1489His)

Genes: GH-LCR (growth hormone locus control region; plus strand), SCN4A (sodium voltage-gated channel alpha subunit 4; minus strand). Cytogenetic location: 17q23.3.
Variant type: single nucleotide variant.
Coding change: c.4466T>A on transcript NM_000334.4 (MANE Select); coding-DNA position 4466, T replaced by A.
Protein change: p.Leu1489His; replaces leucine 1489 with histidine.
Molecular consequence: missense variant.
Genome position (GRCh38, 1-based): chr17:63,941,816, A>T on the plus strand (T>A on the coding strand, the complement: SCN4A is on the minus strand). VCF-style: chr17-63941816-A-T. GRCh37 (hg19) VCF-style: chr17-62019176-A-T.
Other names: short protein forms L1489H.
Identifiers: ClinVar variation 3774834 (VCV003774834.2).